The following is an entry in ClinVar:

NM_002778.4(PSAP):c.-4C>T

Gene: PSAP (prosaposin; minus strand). Cytogenetic location: 10q22.1.
Variant type: single nucleotide variant.
Coding change: c.-4C>T on transcript NM_002778.4 (MANE Select); 4 bases upstream of the start codon, C replaced by T.
Molecular consequence: 5 prime UTR variant.
Genome position (GRCh38, 1-based): chr10:71,851,225, G>A on the plus strand (C>T on the coding strand, the complement: PSAP is on the minus strand). VCF-style: chr10-71851225-G-A. GRCh37 (hg19) VCF-style: chr10-73610982-G-A.
Other names: c.-4C>T (NM_001042465.3, NM_001042466.3).
Identifiers: ClinVar variation 258806 (VCV000258806.16), dbSNP rs2070188, ClinGen allele CA5547951.

ClinVar aggregate classification (germline): Benign. Review status: criteria provided, multiple submitters, no conflicts (2 of 4 stars). 12 submissions from 7 submitters: Benign (10). 2 of the submissions do not count toward it. Last evaluated 2021-07-10.

Conditions:
Krabbe disease due to saposin A deficiency. Also called: Saposin A Deficiency; KRABBE DISEASE, ATYPICAL, DUE TO SAPOSIN A DEFICIENCY. Identifiers: Orphanet 487, MedGen C2673266, MONDO:0012720, OMIM 611722.
Gaucher disease due to saposin C deficiency. Also called: Saposin C Deficiency; Atypical Gaucher disease due to saposin C deficiency. Identifiers: Orphanet 309252, Orphanet 355, MedGen C1864651, MONDO:0012517, OMIM 610539.
Combined PSAP deficiency (PSAPD). Also called: Encephalopathy due to prosaposin deficiency; PROSAPOSIN DEFICIENCY; COMBINED SAP DEFICIENCY. Identifiers: Orphanet 139406, MedGen C2673635, MONDO:0012719, OMIM 611721.
Sphingolipid activator protein 1 deficiency. Also called: METACHROMATIC LEUKODYSTROPHY DUE TO CEREBROSIDE SULFATASE ACTIVATOR DEFICIENCY; Saposin B Deficiency; Metachromatic leukodystrophy due to saposin B deficiency. Identifiers: Orphanet 512, MedGen C0268262, MONDO:0009590, OMIM 249900.
Metachromatic leukodystrophy (MLD). Also called: Cerebral sclerosis diffuse metachromatic form; METACHROMATIC LEUKOENCEPHALOPATHY; SULFATIDE LIPIDOSIS; ARSA DEFICIENCY; CEREBROSIDE SULFATASE DEFICIENCY; Arylsulfatase A Deficiency. Identifiers: Orphanet 512, MedGen C0023522, MONDO:0018868, OMIM 250100.

Allele frequency attached by ClinVar (database versions not stated): ESP Exome Variant Server 0.10323; 1000 Genomes Project 30x 0.11430; TOPMed 0.11960; 1000 Genomes Project 0.12061; ExAC 0.12558; gnomAD exomes 0.12811.
gnomAD v4.1: 225,511 of 1,550,292 alleles (15%); highest among the groups gnomAD compares: East Asian, 29%; 17,527 homozygotes.

Submissions (12):

Genome-Nilou Lab
Classification: Benign for Sphingolipid activator protein 1 deficiency. Last evaluated: 2021-07-10. Review status: criteria provided, single submitter. Criteria: ACMG Guidelines, 2015. Collection method: clinical testing. Allele origin: germline. Affected: no.

Genome-Nilou Lab
Classification: Benign for Combined PSAP deficiency. Last evaluated: 2021-07-10. Review status: criteria provided, single submitter. Criteria: ACMG Guidelines, 2015. Collection method: clinical testing. Allele origin: germline. Affected: no.

Genome-Nilou Lab
Classification: Benign for Krabbe disease due to saposin A deficiency. Last evaluated: 2021-07-10. Review status: criteria provided, single submitter. Criteria: ACMG Guidelines, 2015. Collection method: clinical testing. Allele origin: germline. Affected: no.

Illumina Laboratory Services, Illumina
Classification: Benign for Sphingolipid activator protein 1 deficiency. Last evaluated: 2018-01-12. Review status: criteria provided, single submitter. Criteria: ICSL Variant Classification Criteria 13 December 2019. Collection method: clinical testing. Allele origin: germline.
Comment: This variant was observed in the ICSL laboratory as part of a predisposition screen in an ostensibly healthy population. It had not been previously curated by ICSL or reported in the Human Gene Mutation Database (HGMD: prior to June 1st, 2018), and was therefore a candidate for classification through an automated scoring system. Utilizing variant allele frequency, disease prevalence and penetrance estimates, and inheritance mode, an automated score was calculated to assess if this variant is too frequent to cause the disease. Based on the score and internal cut-off values, a variant classified as benign is not then subjected to further curation. The score for this variant resulted in a classification of benign for this disease.

Illumina Laboratory Services, Illumina
Classification: Benign for Gaucher disease due to saposin C deficiency. Last evaluated: 2018-01-12. Review status: criteria provided, single submitter. Criteria: ICSL Variant Classification Criteria 13 December 2019. Collection method: clinical testing. Allele origin: germline.
Comment: the same text as in the submission from Illumina Laboratory Services, Illumina above.

Illumina Laboratory Services, Illumina
Classification: Benign for Combined PSAP deficiency. Last evaluated: 2018-01-12. Review status: criteria provided, single submitter. Criteria: ICSL Variant Classification Criteria 13 December 2019. Collection method: clinical testing. Allele origin: germline.
Comment: the same text as in the submission from Illumina Laboratory Services, Illumina above.

Illumina Laboratory Services, Illumina
Classification: Benign for Krabbe disease due to saposin A deficiency. Last evaluated: 2018-01-12. Review status: criteria provided, single submitter. Criteria: ICSL Variant Classification Criteria 13 December 2019. Collection method: clinical testing. Allele origin: germline.
Comment: the same text as in the submission from Illumina Laboratory Services, Illumina above.

GeneDx
Classification: Benign. Last evaluated: 2015-03-03. Review status: criteria provided, single submitter. Criteria: GeneDx Variant Classification Process June 2021. Collection method: clinical testing. Allele origin: germline. Affected: yes.

Breakthrough Genomics
Classification: Benign. Review status: criteria provided, single submitter. Criteria: ACMG Guidelines, 2015. Collection method: not provided. Allele origin: germline. Inheritance: Autosomal recessive inheritance. Affected: yes.

PreventionGenetics, part of Exact Sciences
Classification: Benign. Review status: criteria provided, single submitter. Criteria: ACMG Guidelines, 2015. Collection method: clinical testing. Allele origin: germline.

Natera, Inc.
Classification: Benign for Metachromatic leukodystrophy. Last evaluated: 2019-11-20. Review status: no assertion criteria provided. Collection method: clinical testing. Allele origin: germline. Not counted in ClinVar's aggregate classification.

Mayo Clinic Laboratories, Mayo Clinic
Classification: Benign. Last evaluated: 2015-10-22. Review status: no assertion criteria provided. Collection method: clinical testing. Allele origin: unknown. Not counted in ClinVar's aggregate classification.